The following is an entry in ClinVar:

NM_177438.3(DICER1):c.2254G>C (p.Ala752Pro)

Gene: DICER1 (dicer 1, ribonuclease III; minus strand). Cytogenetic location: 14q32.13.
Variant type: single nucleotide variant.
Coding change: c.2254G>C on transcript NM_177438.3 (MANE Select); coding-DNA position 2254, G replaced by C.
Protein change: p.Ala752Pro; replaces alanine 752 with proline.
Molecular consequence: missense variant. On other transcripts: non-coding transcript variant (6).
Genome position (GRCh38, 1-based): chr14:95,111,319, C>G on the plus strand (G>C on the coding strand, the complement: DICER1 is on the minus strand). VCF-style: chr14-95111319-C-G. GRCh37 (hg19) VCF-style: chr14-95577656-C-G.
Other names: c.2254G>C, p.Ala752Pro (NM_001195573.1, NM_001271282.3, NM_001291628.2 and 13 more transcripts); c.1972G>C, p.Ala658Pro (NM_001395686.1); c.1849G>C, p.Ala617Pro (NM_001395687.1, NM_001395688.1, NM_001395689.1 and 3 more transcripts); c.1687G>C, p.Ala563Pro (NM_001395691.1); c.571G>C, p.Ala191Pro (NM_001395697.1); short protein forms A563P, A752P, A191P, A617P, A658P.
Identifiers: ClinVar variation 1788495 (VCV001788495.2), dbSNP rs2542910337, ClinGen allele CA390882466.

ClinVar aggregate classification (germline): Uncertain significance (1 of 4 stars; one submission).

Conditions:
Hereditary cancer-predisposing syndrome. Also called: Hereditary Cancer Syndrome; Hereditary neoplastic syndrome; Tumor predisposition; Neoplastic Syndromes, Hereditary. Identifiers: Orphanet 140162, MedGen C0027672, MeSH D009386, MONDO:0015356.

Submission:

Ambry Genetics
Classification: Uncertain significance for Hereditary cancer-predisposing syndrome. Last evaluated: 2021-06-25. Review status: criteria provided, single submitter. Criteria: Ambry Variant Classification Scheme 2023. Collection method: clinical testing. Allele origin: germline.
Comment: The p.A752P variant (also known as c.2254G>C), located in coding exon 13 of the DICER1 gene, results from a G to C substitution at nucleotide position 2254. The alanine at codon 752 is replaced by proline, an amino acid with highly similar properties. This amino acid position is highly conserved in available vertebrate species. In addition, the in silico prediction for this alteration is inconclusive. Since supporting evidence is limited at this time, the clinical significance of this alteration remains unclear.